The following is an entry in ClinVar:

NM_198586.3(NHLRC1):c.468_469del (p.Gly158fs)

Gene: NHLRC1 (NHL repeat containing E3 ubiquitin protein ligase 1; minus strand). Cytogenetic location: 6p22.3.
Variant type: Deletion.
Coding change: c.468_469del on transcript NM_198586.3 (MANE Select); coding-DNA positions 468 to 469, 2 bases deleted (AG; older notation c.468_469delAG).
Protein change: p.Gly158fs; shifts the reading frame from glycine 158.
Molecular consequence: frameshift variant.
Genome position (GRCh38, 1-based): chr6:18,122,138-18,122,139, CT deleted on the plus strand (AG on the coding strand, the reverse complement: NHLRC1 is on the minus strand). VCF-style (leftmost placement, unchanged base first): chr6-18122137-CCT-C. GRCh37 (hg19) VCF-style: chr6-18122368-CCT-C.
Other names: short protein forms G158fs.
Identifiers: ClinVar variation 2588 (VCV000002588.22), dbSNP rs587776542, ClinGen allele CA115630.

ClinVar aggregate classification (germline): Pathogenic. Review status: criteria provided, multiple submitters, no conflicts (2 of 4 stars). 7 submissions from 7 submitters: Pathogenic (5). 2 of the submissions do not count toward it. Last evaluated 2025-12-22.

Conditions:
Inborn genetic diseases. Identifiers: MedGen C0950123, MeSH D030342.
Lafora disease. Also called: Progressive Myoclonus Epilepsy, Lafora Type; Epilepsy progressive myoclonic 2. Identifiers: Orphanet 501, MedGen C0751783, MONDO:0009697.
Myoclonic epilepsy of Lafora 2. Also called: EPILEPSY, PROGRESSIVE MYOCLONIC, 2B; LAFORA DISEASE 2; NHLRC1-Related Lafora Disease; Epilepsy, progressive myoclonic 2B (Lafora). Identifiers: MedGen C1850764, MONDO:0800306, OMIM 620681.

Allele frequency attached by ClinVar (database versions not stated): gnomAD exomes 0.00001 and 0.00002; ExAC 0.00002; gnomAD 0.00004 and 0.00005; TOPMed 0.00004.

Submissions (7):

Labcorp Genetics (formerly Invitae), Labcorp
Classification: Pathogenic for Lafora disease. Last evaluated: 2025-12-22. Review status: criteria provided, single submitter. Criteria: Invitae Variant Classification Sherloc (09022015). Collection method: clinical testing. Allele origin: germline.
Comment: This sequence change creates a premature translational stop signal (p.Gly158Argfs*17) in the NHLRC1 gene. While this is not anticipated to result in nonsense mediated decay, it is expected to disrupt the last 238 amino acid(s) of the NHLRC1 protein. This variant is present in population databases (rs587776542, gnomAD 0.007%). This premature translational stop signal has been observed in individual(s) with Lafora disease (PMID: 12958597, 18263761, 18311786, 20738377, 28556688). ClinVar contains an entry for this variant (Variation ID: 2588). For these reasons, this variant has been classified as Pathogenic.

Department of Genetics, Sultan Qaboos University Hospital
Classification: Pathogenic for Myoclonic epilepsy of Lafora 1. Last evaluated: 2017-12-30. Review status: criteria provided, single submitter. Criteria: ACMG Guidelines, 2015. Collection method: clinical testing. Allele origin: unknown. Affected: yes.

Ambry Genetics
Classification: Pathogenic for Inborn genetic diseases. Last evaluated: 2017-07-25. Review status: criteria provided, single submitter. Criteria: Ambry Variant Classification Scheme 2023. Collection method: clinical testing. Allele origin: germline.
Comment: The c.468_469delAG variant, located in coding exon 1 of the NHLRC1 gene, results from a deletion of two nucleotides at nucleotide positions 468 to 469, causing a translational frameshift with a predicted alternate stop codon (p.G158Rfs*17). This mutation is one of the most commonly reported NHLRC1 mutations and has been detected in several individuals with biopsy confirmed Lafora disease in both the homozygous and compound heterozygous states (Singh S et al. Hum. Mutat., 2008 Jun;29:E1-12; Chan EM et al. Nat. Genet., 2003 Oct;35:125-7; Kecmanovi M et al. Clin. Genet., 2016 Jan;89:104-8; Lesca G et al. Epilepsia, 2010 Sep;51:1691-8). In addition to the clinical data presented in the lieterature, this alteration is expected to result in loss of function by premature protein truncation. As such, this alteration is interpreted as a disease-causing mutation.

Illumina Laboratory Services, Illumina
Classification: Pathogenic for Myoclonic epilepsy of Lafora 1. Last evaluated: 2017-04-28. Review status: criteria provided, single submitter. Criteria: ICSL Variant Classification Criteria 09 May 2019. Collection method: clinical testing. Allele origin: germline.
Comment: The NHLRC1 c.468_469delAG (p.Gly158ArgfsTer17) variant is a frameshift variant that is predicted to result in premature termination of the protein. This variant is reported as the second most common pathogenic variant in the NHLRC1 gene and the most common deletion (Jansen et al. 2007). This variant has been reported in at least four studies and is found in a total of 21 patients with Lafora type progressive myoclonus epilepsy, including 16 in a homozygous state and five in a compound heterozygous state (Chan et al. 2003; Turnbull et al. 2008; Singh et al. 2008; Lesca et al. 2010). Turnbull et al. (2008) demonstrated a founder effect for the variant in the remote tribal villages of Oman. The p.Gly158ArgfsTer17 variant was absent from 280 controls. It is reported at a frequency of 0.00010 in the African population of the Exome Aggregation Consortium but this is based on one allele in a region of good sequencing coverage so the variant is presumed to be rare. Based on the evidence from the literature and the potential impact of frameshift variants, the p.Gly158ArgfsTer17 variant is classified as pathogenic for Lafora type of progressive myoclonus epilepsy. This variant was observed by ICSL as part of a predisposition screen in an ostensibly healthy population.

GeneDx
Classification: Pathogenic. Last evaluated: 2015-01-14. Review status: criteria provided, single submitter. Criteria: GeneDx Variant Classification (06012015). Collection method: clinical testing. Allele origin: germline. Affected: yes.
Comment: c.468_469delAG: p.Gly158ArgfsX17 (G158RfsX17) in exon 1 of the NHLRC1 gene (NM_198586.2). The normal sequence with the bases that are deleted in braces is: ACTC{AG}GGGGA. The c.468_469delAG mutation in the NHLRC1 gene has been reported previously in association with Lafora disease in individuals who had a second NHLRC1 mutation on the opposite allele (Chan et al., 2003; Singh et al., 2008, Turnbull et al., 2008). The deletion causes a frameshift starting with codon Glycine 158, changes this amino acid to an Arginine residue and creates a premature Stop codon at position 17 of the new reading frame, denoted p.Gly158ArgfsX17. This mutation is predicted to cause loss of normal protein function through protein truncation, as the last 238 amino acids of the NHLRC1 protein are lost and replaced with 16 incorrect amino acids. Therefore, c.468_469delAG is considered a disease-causing mutation. The variant is found in EPILEPSYV2-1 panel(s).

OMIM
Classification: Pathogenic for MYOCLONIC EPILEPSY OF LAFORA 2. Last evaluated: 2003-10-01. Review status: no assertion criteria provided. Collection method: literature only. Allele origin: germline. Not counted in ClinVar's aggregate classification.

GeneReviews
No classification provided. Condition: Lafora disease. Review status: no classification provided. Collection method: literature only. Allele origin: germline. Not counted in ClinVar's aggregate classification.

Literature cited by the submitters: PubMed 12958597 (cited by 4 submitters); PubMed 18263761 (cited by 3 submitters); PubMed 18311786 (cited by 3 submitters); PubMed 20738377 (cited by 3 submitters); PubMed 28556688 (cited by Labcorp Genetics (formerly Invitae), Labcorp); PubMed 25683376 (cited by Ambry Genetics); PubMed 20301563 (cited by Illumina Laboratory Services, Illumina); PubMed 16134145 (cited by Illumina Laboratory Services, Illumina); NCBI Bookshelf NBK1389 (cited by GeneReviews); PubMed 16311711 (cited by GeneReviews).